The following is an entry in ClinVar:

NM_145207.3(AFG2A):c.2271G>A (p.Met757Ile)

Gene: AFG2A (AAA ATPase AFG2A; plus strand). Cytogenetic location: 4q28.1.
Variant type: single nucleotide variant.
Coding change: c.2271G>A on transcript NM_145207.3 (MANE Select); coding-DNA position 2271, G replaced by A.
Protein change: p.Met757Ile; replaces methionine 757 with isoleucine.
Molecular consequence: missense variant.
Genome position (GRCh38, 1-based): chr4:123,090,636, G>A. VCF-style: chr4-123090636-G-A. GRCh37 (hg19) VCF-style: chr4-124011791-G-A.
Other names: c.2268G>A, p.Met756Ile (NM_001345856.2); short protein forms M756I, M757I.
Identifiers: ClinVar variation 1483248 (VCV001483248.5), dbSNP rs1732759242, ClinGen allele CA358230333.

ClinVar aggregate classification (germline): Uncertain significance (1 of 4 stars; one submission).

Conditions:
Microcephaly-intellectual disability-sensorineural hearing loss-epilepsy-abnormal muscle tone syndrome (NEDHSB). Also called: NEURODEVELOPMENTAL DISORDER WITH HEARING LOSS, SEIZURES, AND BRAIN ABNORMALITIES. Identifiers: Orphanet 457351, MedGen C4225276, MONDO:0014698, OMIM 616577.

Allele frequency attached by ClinVar (database versions not stated): gnomAD exomes below 0.00001; TOPMed below 0.00001.
gnomAD v4.1: 1 of 1,614,164 alleles (0.000062%); highest among the groups gnomAD compares: South Asian, 0.0011%; no homozygotes.

Submission:

Labcorp Genetics (formerly Invitae), Labcorp
Classification: Uncertain significance for Microcephaly-intellectual disability-sensorineural hearing loss-epilepsy-abnormal muscle tone syndrome. Last evaluated: 2021-10-20. Review status: criteria provided, single submitter. Criteria: Invitae Variant Classification Sherloc (09022015). Collection method: clinical testing. Allele origin: germline.
Comment: This sequence change replaces methionine with isoleucine at codon 757 of the SPATA5 protein (p.Met757Ile). The methionine residue is highly conserved and there is a small physicochemical difference between methionine and isoleucine. This variant is not present in population databases (ExAC no frequency). This variant has not been reported in the literature in individuals affected with SPATA5-related conditions. Advanced modeling of protein sequence and biophysical properties (such as structural, functional, and spatial information, amino acid conservation, physicochemical variation, residue mobility, and thermodynamic stability) performed at Invitae indicates that this missense variant is not expected to disrupt SPATA5 protein function. In summary, the available evidence is currently insufficient to determine the role of this variant in disease. Therefore, it has been classified as a Variant of Uncertain Significance.